The following is an entry in ClinVar:

ClinVar aggregate classification (germline): Pathogenic. Review status: criteria provided, multiple submitters, no conflicts (2 of 4 stars). 2 submissions from 2 submitters: Pathogenic (2). Last evaluated 2025-11-26.

Conditions:
Intellectual disability-facial dysmorphism syndrome due to SETD5 haploinsufficiency (MRD23). Also called: Intellectual developmental disorder, autosomal dominant 23. Identifiers: Orphanet 404440, MedGen C3810406, MONDO:0014336, OMIM 615761.

Submissions (2):

3billion
Classification: Pathogenic for Intellectual disability-facial dysmorphism syndrome due to SETD5 haploinsufficiency. Last evaluated: 2025-11-26. Review status: criteria provided, single submitter. Criteria: ACMG Guidelines, 2015. Collection method: clinical testing. Allele origin: germline. Affected: yes.
Comment: The variant is not observed in the gnomAD v4.1.0 dataset. Predicted Consequence/Location: Frameshift: predicted to result in a loss or disruption of normal protein function through nonsense-mediated decay (NMD) or protein truncation. Multiple pathogenic variants are reported downstream of the variant. The variant has been reported to be associated with SETD5-related disorder (ClinVar ID: VCV000987012). Therefore, this variant is classified as Pathogenic according to the recommendation of ACMG/AMP guideline.

Institute of Medical Genetics and Applied Genomics, University Hospital Tübingen
Classification: Pathogenic. Last evaluated: 2020-10-23. Review status: criteria provided, single submitter. Criteria: ACMG Guidelines, 2015. Collection method: clinical testing. Allele origin: germline. Inheritance: Autosomal dominant inheritance. Affected: yes.

NM_001080517.3(SETD5):c.670del (p.Gln224fs)

Gene: SETD5 (SET domain containing 5; plus strand). Cytogenetic location: 3p25.3.
Variant type: Deletion.
Coding change: c.670del on transcript NM_001080517.3 (MANE Select); coding-DNA position 670, one base deleted (C; older notation c.670delC).
Protein change: p.Gln224fs; shifts the reading frame from glutamine 224.
Molecular consequence: frameshift variant.
Genome position (GRCh38, 1-based): chr3:9,440,558, C deleted. VCF-style (leftmost placement, unchanged base first): chr3-9440557-TC-T. GRCh37 (hg19) VCF-style: chr3-9482241-TC-T.
Other names: c.376del, p.Gln126fs (NM_001292043.2, NM_001349451.2); short protein forms Q126fs, Q224fs.
Identifiers: ClinVar variation 987012 (VCV000987012.3), dbSNP rs2041149106, ClinGen allele CA1139657844.